The following is an entry in ClinVar:

ClinVar aggregate classification (germline): Uncertain significance. Review status: criteria provided, multiple submitters, no conflicts (2 of 4 stars). 2 submissions from 2 submitters: Uncertain significance (2). Last evaluated 2025-11-13.

Conditions:
Inborn genetic diseases. Identifiers: MedGen C0950123, MeSH D030342.

Allele frequency attached by ClinVar (database versions not stated): 1000 Genomes Project 30x 0.00031; gnomAD exomes 0.00001; ExAC 0.00014; 1000 Genomes Project 0.00020; gnomAD 0.00002; TOPMed 0.00006.
gnomAD v4.1: 11 of 1,578,236 alleles (0.0007%); highest among the groups gnomAD compares: East Asian, 0.024%; no homozygotes.

Submissions (2):

Ambry Genetics
Classification: Uncertain significance for Inborn genetic diseases. Last evaluated: 2025-11-13. Review status: criteria provided, single submitter. Criteria: Ambry Variant Classification Scheme 2023. Collection method: clinical testing. Allele origin: germline.

GeneDx
Classification: Uncertain significance. Last evaluated: 2023-02-22. Review status: criteria provided, single submitter. Criteria: GeneDx Variant Classification Process June 2021. Collection method: clinical testing. Allele origin: germline. Affected: yes.
Comment: In silico analysis supports that this missense variant does not alter protein structure/function; Has not been previously published as pathogenic or benign to our knowledge

NM_007118.4(TRIO):c.5254T>A (p.Ser1752Thr)

Gene: TRIO (trio Rho guanine nucleotide exchange factor; plus strand). Cytogenetic location: 5p15.2.
Variant type: single nucleotide variant.
Coding change: c.5254T>A on transcript NM_007118.4 (MANE Select); coding-DNA position 5254, T replaced by A.
Protein change: p.Ser1752Thr; replaces serine 1752 with threonine.
Molecular consequence: missense variant. On other transcripts: non-coding transcript variant (1).
Genome position (GRCh38, 1-based): chr5:14,461,069, T>A. VCF-style: chr5-14461069-T-A. GRCh37 (hg19) VCF-style: chr5-14461178-T-A.
Other names: short protein forms S1752T.
Identifiers: ClinVar variation 2577661 (VCV002577661.2), dbSNP rs542199264, ClinGen allele CA3206714.